The following is an entry in ClinVar:

ClinVar aggregate classification (germline): Conflicting classifications of pathogenicity. Review status: criteria provided, conflicting classifications (1 of 4 stars). 2 submissions from 2 submitters: Uncertain significance (1); Likely benign (1). Last evaluated 2025-05-01.

gnomAD v4.1: 20 of 1,614,178 alleles (0.0012%); highest among the groups gnomAD compares: Non-Finnish European, 0.0016%; no homozygotes.

Submissions (2):

CeGaT Center for Human Genetics Tuebingen
Classification: Likely benign. Last evaluated: 2025-05-01. Review status: criteria provided, single submitter. Criteria: CeGaT Center For Human Genetics Tuebingen Variant Classification Criteria Version 2. Collection method: clinical testing. Allele origin: germline. Affected: yes. Observed: 1 variant allele.
Comment: SON: BP4, BS2

Labcorp Genetics (formerly Invitae), Labcorp
Classification: Uncertain significance. Last evaluated: 2022-06-28. Review status: criteria provided, single submitter. Criteria: Invitae Variant Classification Sherloc (09022015). Collection method: clinical testing. Allele origin: germline.
Comment: In summary, the available evidence is currently insufficient to determine the role of this variant in disease. Therefore, it has been classified as a Variant of Uncertain Significance. Algorithms developed to predict the effect of missense changes on protein structure and function are either unavailable or do not agree on the potential impact of this missense change (SIFT: "Deleterious"; PolyPhen-2: "Possibly Damaging"; Align-GVGD: "Class C0"). This variant has not been reported in the literature in individuals affected with SON-related conditions. This variant is present in population databases (rs767171313, gnomAD 0.0009%). This sequence change replaces proline, which is neutral and non-polar, with glutamine, which is neutral and polar, at codon 1249 of the SON protein (p.Pro1249Gln).

NM_138927.4(SON):c.3746C>A (p.Pro1249Gln)

Gene: SON (SON DNA and RNA binding protein; plus strand). Cytogenetic location: 21q22.11.
Variant type: single nucleotide variant.
Coding change: c.3746C>A on transcript NM_138927.4 (MANE Select); coding-DNA position 3746, C replaced by A.
Protein change: p.Pro1249Gln; replaces proline 1249 with glutamine.
Molecular consequence: missense variant. On other transcripts: non-coding transcript variant (1), intron variant (1).
Genome position (GRCh38, 1-based): chr21:33,552,977, C>A. VCF-style: chr21-33552977-C-A. GRCh37 (hg19) VCF-style: chr21-34925283-C-A.
Other names: c.3746C>A, p.Pro1249Gln (NM_001291411.2, NM_032195.3); c.245-4179C>A (NM_001291412.3); short protein forms P1249Q.
Identifiers: ClinVar variation 1502966 (VCV001502966.16), dbSNP rs767171313, ClinGen allele CA10009364.